The following is an entry in ClinVar:

NM_033380.3(COL4A5):c.2773G>T (p.Asp925Tyr)

Gene: COL4A5 (collagen type IV alpha 5 chain; plus strand). Cytogenetic location: Xq22.3.
Variant type: single nucleotide variant.
Coding change: c.2773G>T on transcript NM_033380.3 (MANE Select); coding-DNA position 2773, G replaced by T.
Protein change: p.Asp925Tyr; replaces aspartic acid 925 with tyrosine.
Molecular consequence: missense variant.
Genome position (GRCh38, 1-based): chrX:108,622,681, G>T. VCF-style: chrX-108622681-G-T. GRCh37 (hg19) VCF-style: chrX-107865911-G-T.
Other names: c.2773G>T, p.Asp925Tyr (NM_000495.5); short protein forms D925Y.
Identifiers: ClinVar variation 2632442 (VCV002632442.1), dbSNP rs2524407621, ClinGen allele CA413852507.
Genomic context (GRCh38, chrX:108,622,681, plus strand): 5'-TTAATCTTTGATGGATAAAATTGATATATTGTGTTTTCACACACATTGATTTTAGGTGAT[G>T]ATGGCTTGCAGGGTCAGCCAGGACTTCCTGGCCCTACAGGAGAAAAAGGTAGTAAAGGAG-3'
Protein context (NP_203699.1, residues 915-935): RSGVPGLKGD[Asp925Tyr]GLQGQPGLPG

ClinVar aggregate classification (germline): Uncertain significance (1 of 4 stars; one submission).

Conditions:
COL4A5-related disorder. Also called: COL4A5-related condition.

Submission:

PreventionGenetics, part of Exact Sciences
Classification: Uncertain significance for COL4A5-related condition. Last evaluated: 2023-06-20. Review status: criteria provided, single submitter. Criteria: ACMG Guidelines, 2015. Collection method: clinical testing. Allele origin: germline.
Comment: The COL4A5 c.2773G>T variant is predicted to result in the amino acid substitution p.Asp925Tyr. To our knowledge, this variant has not been reported in the literature or in a large population database, indicating this variant is rare. At this time, the clinical significance of this variant is uncertain due to the absence of conclusive functional and genetic evidence.